The following is an entry in ClinVar:

NM_001122681.2(SH3BP2):c.656A>T (p.Asp219Val)

Gene: SH3BP2 (SH3 domain binding protein 2; plus strand). Cytogenetic location: 4p16.3.
Variant type: single nucleotide variant.
Coding change: c.656A>T on transcript NM_001122681.2 (MANE Select); coding-DNA position 656, A replaced by T.
Protein change: p.Asp219Val; replaces aspartic acid 219 with valine.
Molecular consequence: missense variant.
Genome position (GRCh38, 1-based): chr4:2,829,562, A>T. VCF-style: chr4-2829562-A-T. GRCh37 (hg19) VCF-style: chr4-2831289-A-T.
Other names: c.656A>T, p.Asp219Val (LRG_1334t1, NM_003023.4); c.740A>T, p.Asp247Val (LRG_1334t2, NM_001145855.2); c.827A>T, p.Asp276Val (NM_001145856.2); short protein forms D219V, D247V, D276V.
Identifiers: ClinVar variation 348581 (VCV000348581.15), dbSNP rs150572069, ClinGen allele CA2819290.
Genomic context (GRCh38, chr4:2,829,562, plus strand): 5'-TGCACCCACCGGCTTACCCACCACCCCCAGTGCCCACGCCCAGGAAGCCAGCCTTCTCTG[A>T]CATGCCCCGGGCCCACTCCTTTACCTCCAAGGGCCCCGGTCCCCTACTGCCACCCCCGCC-3'
Protein context (NP_001116153.1, residues 209-229): VPTPRKPAFS[Asp219Val]MPRAHSFTSK

ClinVar aggregate classification (germline): Conflicting classifications of pathogenicity. Review status: criteria provided, conflicting classifications (1 of 4 stars). 3 submissions from 3 submitters: Uncertain significance (1); Benign (1). 1 of the submissions does not count toward it. Last evaluated 2023-09-30.

Conditions:
Fibrous dysplasia of jaw (CRBM). Also called: Cherubism. Identifiers: Orphanet 184, MedGen C0008029, MONDO:0007315, OMIM 118400.
SH3BP2-related disorder. Also called: SH3BP2-related condition.

Allele frequency attached by ClinVar (database versions not stated): ExAC 0.00007; ESP Exome Variant Server 0.00008; gnomAD exomes 0.00008 and 0.00004; 1000 Genomes Project 30x 0.00016; 1000 Genomes Project 0.00020; gnomAD 0.00001 and 0.00003; TOPMed 0.00002.
gnomAD v4.1: 69 of 1,613,276 alleles (0.0043%); highest among the groups gnomAD compares: South Asian, 0.055%; no homozygotes.

Submissions (3):

Labcorp Genetics (formerly Invitae), Labcorp
Classification: Uncertain significance for Fibrous dysplasia of jaw. Last evaluated: 2023-09-30. Review status: criteria provided, single submitter. Criteria: Invitae Variant Classification Sherloc (09022015). Collection method: clinical testing. Allele origin: germline.
Comment: In summary, the available evidence is currently insufficient to determine the role of this variant in disease. Therefore, it has been classified as a Variant of Uncertain Significance. Advanced modeling of protein sequence and biophysical properties (such as structural, functional, and spatial information, amino acid conservation, physicochemical variation, residue mobility, and thermodynamic stability) performed at Invitae indicates that this missense variant is not expected to disrupt SH3BP2 protein function. ClinVar contains an entry for this variant (Variation ID: 348581). This variant has not been reported in the literature in individuals affected with SH3BP2-related conditions. This variant is present in population databases (rs150572069, gnomAD 0.06%), and has an allele count higher than expected for a pathogenic variant. This sequence change replaces aspartic acid, which is acidic and polar, with valine, which is neutral and non-polar, at codon 219 of the SH3BP2 protein (p.Asp219Val).

Illumina Laboratory Services, Illumina
Classification: Benign for Fibrous dysplasia of jaw. Last evaluated: 2018-01-13. Review status: criteria provided, single submitter. Criteria: ICSL Variant Classification Criteria 13 December 2019. Collection method: clinical testing. Allele origin: germline.
Comment: This variant was observed in the ICSL laboratory as part of a predisposition screen in an ostensibly healthy population. It had not been previously curated by ICSL or reported in the Human Gene Mutation Database (HGMD: prior to June 1st, 2018), and was therefore a candidate for classification through an automated scoring system. Utilizing variant allele frequency, disease prevalence and penetrance estimates, and inheritance mode, an automated score was calculated to assess if this variant is too frequent to cause the disease. Based on the score and internal cut-off values, a variant classified as benign is not then subjected to further curation. The score for this variant resulted in a classification of benign for this disease.

PreventionGenetics, part of Exact Sciences
Classification: Likely benign for SH3BP2-related condition. Last evaluated: 2022-02-18. Review status: no assertion criteria provided. Collection method: clinical testing. Allele origin: germline. Not counted in ClinVar's aggregate classification.
Comment: This variant is classified as likely benign based on ACMG/AMP sequence variant interpretation guidelines (Richards et al. 2015 PMID: 25741868, with internal and published modifications).